The following is an entry in ClinVar:

NM_007294.4(BRCA1):c.5278-6T>C

Gene: BRCA1 (BRCA1 DNA repair associated; minus strand). Cytogenetic location: 17q21.31.
Variant type: single nucleotide variant.
Coding change: c.5278-6T>C on transcript NM_007294.4 (MANE Select); 6 bases into the intron before coding-DNA position 5278, T replaced by C.
Molecular consequence: intron variant.
Genome position (GRCh38, 1-based): chr17:43,051,123, A>G on the plus strand (T>C on the coding strand, the complement: BRCA1 is on the minus strand). VCF-style: chr17-43051123-A-G. GRCh37 (hg19) VCF-style: chr17-41203140-A-G.
Other names: c.1825-6T>C (NM_001408458.1, NM_001408461.1, NM_001408464.1 and 7 more transcripts); c.4387-6T>C (NM_001407967.1); c.4897-6T>C (NM_001407959.1); c.5011-6T>C (NM_001407931.1, NM_001407932.1, NM_001407928.1 and 4 more transcripts); c.5134-6T>C (NM_001407747.1, NM_001407745.1, NM_001407737.1 and 21 more transcripts); c.4894-6T>C (NM_001407962.1, NM_001407960.1); c.1465-6T>C (NM_001408512.1); c.1588-6T>C (NM_001408510.1); and 74 more.
Identifiers: ClinVar variation 433731 (VCV000433731.5), dbSNP rs1555575746, ClinGen allele CA645373151.

ClinVar aggregate classification (germline): Uncertain significance (0 of 4 stars; one submission).

Conditions:
Breast-ovarian cancer, familial, susceptibility to, 1 (BROVCA1). Also called: BRCA1 Hereditary Breast and Ovarian Cancer; OVARIAN CANCER, SUSCEPTIBILITY TO. Identifiers: Orphanet 145, MedGen C2676676, MONDO:0011450, OMIM 604370. Disease mechanism: loss of function.

Submissions (2):

Brotman Baty Institute, University of Washington
No classification provided (evidence only). Condition: Breast-ovarian cancer, familial 1. Review status: no classification provided. Collection method: in vitro. Allele origin: not applicable. Functional consequence: function_uncertain_variant. Not counted in ClinVar's aggregate classification.
ClinVar note: "not provided" was previously submitted as the classification for the variant. However, the classification appeared to be based only on an observation of functional data so it was converted to no classification on 2025-07-30.

Department of Pathology and Laboratory Medicine, Sinai Health System
Classification: Uncertain significance for Breast-ovarian cancer, familial, susceptibility to, 1. Review status: no assertion criteria provided. Collection method: clinical testing. Allele origin: unknown. Affected: yes. Study: The Canadian Open Genetics Repository (COGR).
Comment: The c.5278-6T>C variant has not been previously identified in our laboratory, in the literature or in the public databases. The c.5278-6T>C variant is located in the 3' splice region but does not affect the invariant -1 and -2 positions. On the other hand, positions -3 and -5 to -12 are part of the splicing consensus sequence and variants involving these positions sometimes affect splicing. However, in-silico or computational prediction software (SpliceSiteFinder, MaxEntScan, NNSPLICE, GeneSplicer, HumanSpliceFinder) do not predicts any impact on splicing. Another mutation including the same site, c.5278-7_5278-6del (BIC Alias: IVS20-6_IVS20-4del) has been predicted neutral, decreasing the likelihood the c.5278-6T>C variant has clinical significance (Campos 2003). In summary, based on the above information, the clinical significance of this variant cannot be determined with certainty at this time. This variant is classified as a variant of unknown significance.